The following is an entry in ClinVar:

NM_001130009.3(GEN1):c.778C>T (p.His260Tyr)

Gene: GEN1 (GEN1 Holliday junction 5' flap endonuclease; plus strand). Cytogenetic location: 2p24.2.
Variant type: single nucleotide variant.
Coding change: c.778C>T on transcript NM_001130009.3 (MANE Select); coding-DNA position 778, C replaced by T.
Protein change: p.His260Tyr; replaces histidine 260 with tyrosine.
Molecular consequence: missense variant.
Genome position (GRCh38, 1-based): chr2:17,771,263, C>T. VCF-style: chr2-17771263-C-T. GRCh37 (hg19) VCF-style: chr2-17952530-C-T.
Other names: c.778C>T, p.His260Tyr (NM_182625.5); short protein forms H260Y.
Identifiers: ClinVar variation 4029191 (VCV004029191.1).

ClinVar aggregate classification (germline): Uncertain significance (1 of 4 stars; one submission).

gnomAD v4.1: 8 of 1,607,290 alleles (0.0005%); highest among the groups gnomAD compares: South Asian, 0.0044%; no homozygotes.

Submission:

Ambry Genetics
Classification: Uncertain significance. Last evaluated: 2025-03-31. Review status: criteria provided, single submitter. Criteria: Ambry Variant Classification Scheme 2023. Collection method: clinical testing. Allele origin: germline.
Comment: The p.H260Y variant (also known as c.778C>T), located in coding exon 6 of the GEN1 gene, results from a C to T substitution at nucleotide position 778. The histidine at codon 260 is replaced by tyrosine, an amino acid with similar properties. This amino acid position is conserved. In addition, this alteration is predicted to be tolerated by in silico analysis. Based on the available evidence, the clinical significance of this variant remains unclear.